The following is an entry in ClinVar:

NM_003200.5(TCF3):c.1422C>G (p.Asp474Glu)

Gene: TCF3 (transcription factor 3; minus strand). Cytogenetic location: 19p13.3.
Variant type: single nucleotide variant.
Coding change: c.1422C>G on transcript NM_003200.5 (MANE Select); coding-DNA position 1422, C replaced by G.
Protein change: p.Asp474Glu; replaces aspartic acid 474 with glutamic acid.
Molecular consequence: missense variant.
Genome position (GRCh38, 1-based): chr19:1,619,139, G>C on the plus strand (C>G on the coding strand, the complement: TCF3 is on the minus strand). VCF-style: chr19-1619139-G-C. GRCh37 (hg19) VCF-style: chr19-1619138-G-C.
Other names: c.1422C>G, p.Asp474Glu (NM_001136139.4, NM_001351779.2); c.1419C>G, p.Asp473Glu (NM_001351778.2); short protein forms D473E, D474E.
Identifiers: ClinVar variation 3666146 (VCV003666146.2).

ClinVar aggregate classification (germline): Uncertain significance (1 of 4 stars; one submission).

Submission:

Labcorp Genetics (formerly Invitae), Labcorp
Classification: Uncertain significance. Last evaluated: 2025-01-01. Review status: criteria provided, single submitter. Criteria: Invitae Variant Classification Sherloc (09022015). Collection method: clinical testing. Allele origin: germline.
Comment: This sequence change replaces aspartic acid, which is acidic and polar, with glutamic acid, which is acidic and polar, at codon 474 of the TCF3 protein (p.Asp474Glu). This variant is not present in population databases (gnomAD no frequency). This variant has not been reported in the literature in individuals affected with TCF3-related conditions. Invitae Evidence Modeling of protein sequence and biophysical properties (such as structural, functional, and spatial information, amino acid conservation, physicochemical variation, residue mobility, and thermodynamic stability) indicates that this missense variant is not expected to disrupt TCF3 protein function with a negative predictive value of 80%. In summary, the available evidence is currently insufficient to determine the role of this variant in disease. Therefore, it has been classified as a Variant of Uncertain Significance.